The following is an entry in ClinVar:

ClinVar aggregate classification (germline): Uncertain significance (1 of 4 stars; one submission).

Submission:

Labcorp Genetics (formerly Invitae), Labcorp
Classification: Uncertain significance. Last evaluated: 2023-10-03. Review status: criteria provided, single submitter. Criteria: Invitae Variant Classification Sherloc (09022015). Collection method: clinical testing. Allele origin: germline.
Comment: This sequence change replaces isoleucine, which is neutral and non-polar, with valine, which is neutral and non-polar, at codon 1509 of the CLTC protein (p.Ile1509Val). This variant is not present in population databases (gnomAD no frequency). This variant has not been reported in the literature in individuals affected with CLTC-related conditions. ClinVar contains an entry for this variant (Variation ID: 1503233). Advanced modeling of protein sequence and biophysical properties (such as structural, functional, and spatial information, amino acid conservation, physicochemical variation, residue mobility, and thermodynamic stability) performed at Invitae indicates that this missense variant is not expected to disrupt CLTC protein function. In summary, the available evidence is currently insufficient to determine the role of this variant in disease. Therefore, it has been classified as a Variant of Uncertain Significance.

NM_004859.4(CLTC):c.4513A>G (p.Ile1505Val)

Genes: CLTC (clathrin heavy chain; plus strand), LOC125177523 (Sharpr-MPRA regulatory region 12460; plus strand). Cytogenetic location: 17q23.1.
Variant type: single nucleotide variant.
Coding change: c.4513A>G on transcript NM_004859.4 (MANE Select); coding-DNA position 4513, A replaced by G.
Protein change: p.Ile1505Val; replaces isoleucine 1505 with valine.
Molecular consequence: missense variant.
Genome position (GRCh38, 1-based): chr17:59,685,134, A>G. VCF-style: chr17-59685134-A-G. GRCh37 (hg19) VCF-style: chr17-57762495-A-G.
Other names: c.4525A>G, p.Ile1509Val (NM_001288653.2); short protein forms I1505V, I1509V.
Identifiers: ClinVar variation 1503233 (VCV001503233.8), dbSNP rs2143600744, ClinGen allele CA400421836.